The following is an entry in ClinVar:

ClinVar aggregate classification (germline): Pathogenic. Review status: criteria provided, multiple submitters, no conflicts (2 of 4 stars). 2 submissions from 2 submitters: Pathogenic (2). Last evaluated 2022-04-11.

Conditions:
Charcot-Marie-Tooth Neuropathy X. Identifiers: MedGen CN118851.

Submissions (2):

Labcorp Genetics (formerly Invitae), Labcorp
Classification: Pathogenic for Charcot-Marie-Tooth Neuropathy X. Last evaluated: 2022-04-11. Review status: criteria provided, single submitter. Criteria: Invitae Variant Classification Sherloc (09022015). Collection method: clinical testing. Allele origin: germline.
Comment: For these reasons, this variant has been classified as Pathogenic. This variant disrupts a region of the GJB1 protein in which other variant(s) (p.Arg220*) have been determined to be pathogenic (PMID: 7477983, 8162049, 9364054, 21291455). This suggests that this is a clinically significant region of the protein, and that variants that disrupt it are likely to be disease-causing. ClinVar contains an entry for this variant (Variation ID: 245787). This premature translational stop signal has been observed in individual(s) with clinical features of Charcot-Marie-Tooth disease (Invitae). This variant is not present in population databases (gnomAD no frequency). This sequence change creates a premature translational stop signal (p.Trp132Cysfs*64) in the GJB1 gene. While this is not anticipated to result in nonsense mediated decay, it is expected to disrupt the last 152 amino acid(s) of the GJB1 protein.

GeneDx
Classification: Pathogenic. Last evaluated: 2015-06-02. Review status: criteria provided, single submitter. Criteria: GeneDx Variant Classification (06012015). Collection method: clinical testing. Allele origin: germline. Affected: yes.
Comment: The c.396delG variant in the GJB1 gene causes a frameshift starting with codon Tryptophan 132, changes this amino acid to a Cysteine residue and creates a premature Stop codon at position 64 of the new reading frame, denoted p.W132CfsX64. This variant is predicted to cause loss of normal protein function through protein truncation as the last 152 amino acids of the protein are replaced by 63 aberrant amino acids. Although this variant has not been previously reported to our knowledge, other premature Stop variants have been published near c.396delG in association with CMTX1 (Stenson et al., 2014). Therefore, the presence of the c.396delG variant is consistent with a diagnosis of CMTX1

Literature cited by the submitters: PubMed 7477983 (cited by Labcorp Genetics (formerly Invitae), Labcorp); PubMed 8162049 (cited by Labcorp Genetics (formerly Invitae), Labcorp); PubMed 9364054 (cited by Labcorp Genetics (formerly Invitae), Labcorp); PubMed 21291455 (cited by Labcorp Genetics (formerly Invitae), Labcorp).

NM_000166.6(GJB1):c.396del (p.Trp132fs)

Gene: GJB1 (gap junction protein beta 1; plus strand). Cytogenetic location: Xq13.1.
Variant type: Deletion.
Coding change: c.396del on transcript NM_000166.6 (MANE Select); coding-DNA position 396, one base deleted (G; older notation c.396delG).
Protein change: p.Trp132fs; shifts the reading frame from tryptophan 132.
Molecular consequence: frameshift variant.
Genome position (GRCh38, 1-based): chrX:71,224,103, G deleted; the last of 2 consecutive G bases (chrX:71,224,102-71,224,103); deleting either gives the same sequence. VCF-style (leftmost placement, unchanged base first): chrX-71224101-TG-T. GRCh37 (hg19) VCF-style: chrX-70443951-TG-T.
Other names: c.396del (NM_000166.5); c.396del, p.Trp132fs (NM_001097642.3); short protein forms W132fs.
Identifiers: ClinVar variation 245787 (VCV000245787.11), dbSNP rs879253946, ClinGen allele CA10584640.